The following is an entry in ClinVar:

NM_001035.3(RYR2):c.9018-4T>C

Gene: RYR2 (ryanodine receptor 2; plus strand). Cytogenetic location: 1q43.
Variant type: single nucleotide variant.
Coding change: c.9018-4T>C on transcript NM_001035.3 (MANE Select); 4 bases into the intron before coding-DNA position 9018, T replaced by C.
Molecular consequence: intron variant.
Genome position (GRCh38, 1-based): chr1:237,687,451, T>C. VCF-style: chr1-237687451-T-C. GRCh37 (hg19) VCF-style: chr1-237850751-T-C.
Identifiers: ClinVar variation 3385811 (VCV003385811.1).

ClinVar aggregate classification (germline): Likely benign (1 of 4 stars; one submission).

Conditions:
Catecholaminergic polymorphic ventricular tachycardia (CVPT). Also called: Catecholamine-induced polymorphic ventricular tachycardia. Identifiers: Orphanet 3286, MedGen C5574922, MONDO:0017990.

Submission:

All of Us Research Program, National Institutes of Health
Classification: Likely benign for Catecholaminergic polymorphic ventricular tachycardia. Last evaluated: 2024-05-30. Review status: criteria provided, single submitter. Criteria: ACMG Guidelines, 2015. Collection method: clinical testing. Allele origin: germline. Inheritance: Autosomal dominant inheritance. Observed: 1 variant allele, 1 heterozygote.
Comment: This study involves interpretation of variants in research participants for the purpose of population health screening. Participant phenotype was not available at the time of variant classification. Additional details can be found in publication PMID: 35346344, PMCID: PMC8962531